The following is an entry in ClinVar:

NM_016580.4(PCDH12):c.700G>A (p.Val234Ile)

Genes: PCDH12 (protocadherin 12; minus strand), RNF14 (ring finger protein 14; plus strand). Cytogenetic location: 5q31.3.
Variant type: single nucleotide variant.
Coding change: c.700G>A on transcript NM_016580.4 (MANE Select); coding-DNA position 700, G replaced by A.
Protein change: p.Val234Ile; replaces valine 234 with isoleucine.
Molecular consequence: missense variant.
Genome position (GRCh38, 1-based): chr5:141,957,152, C>T on the plus strand (G>A on the coding strand, the complement: PCDH12 is on the minus strand). VCF-style: chr5-141957152-C-T. GRCh37 (hg19) VCF-style: chr5-141336717-C-T.
Other names: c.700G>A (NM_016580.2); short protein forms V234I.
Identifiers: ClinVar variation 1394094 (VCV001394094.10), dbSNP rs1054991303, ClinGen allele CA128480987.

ClinVar aggregate classification (germline): Uncertain significance. Review status: criteria provided, multiple submitters, no conflicts (2 of 4 stars). 2 submissions from 2 submitters: Uncertain significance (2). Last evaluated 2025-08-20.

Conditions:
Inborn genetic diseases. Identifiers: MedGen C0950123, MeSH D030342.

Allele frequency attached by ClinVar (database versions not stated): gnomAD exomes 0.00001; gnomAD 0.00002; TOPMed 0.00004.
gnomAD v4.1: 17 of 1,614,044 alleles (0.0011%); highest among the groups gnomAD compares: African/African-American, 0.0053%; no homozygotes.

Submissions (2):

Ambry Genetics
Classification: Uncertain significance for Inborn genetic diseases. Last evaluated: 2025-08-20. Review status: criteria provided, single submitter. Criteria: Ambry Variant Classification Scheme 2023. Collection method: clinical testing. Allele origin: germline.

Labcorp Genetics (formerly Invitae), Labcorp
Classification: Uncertain significance. Last evaluated: 2022-08-16. Review status: criteria provided, single submitter. Criteria: Invitae Variant Classification Sherloc (09022015). Collection method: clinical testing. Allele origin: germline.
Comment: In summary, the available evidence is currently insufficient to determine the role of this variant in disease. Therefore, it has been classified as a Variant of Uncertain Significance. Advanced modeling of protein sequence and biophysical properties (such as structural, functional, and spatial information, amino acid conservation, physicochemical variation, residue mobility, and thermodynamic stability) performed at Invitae indicates that this missense variant is not expected to disrupt PCDH12 protein function. ClinVar contains an entry for this variant (Variation ID: 1394094). This variant has not been reported in the literature in individuals affected with PCDH12-related conditions. This variant is present in population databases (no rsID available, gnomAD 0.008%). This sequence change replaces valine, which is neutral and non-polar, with isoleucine, which is neutral and non-polar, at codon 234 of the PCDH12 protein (p.Val234Ile).